The following is an entry in ClinVar:

ClinVar aggregate classification (germline): Likely benign. Review status: criteria provided, single submitter (1 of 4 stars). 2 submissions from 2 submitters: Likely benign (1). 1 of the submissions does not count toward it. Last evaluated 2026-02-01.

Conditions:
FAT1-related disorder. Also called: FAT1-related condition.

Allele frequency attached by ClinVar (database versions not stated): gnomAD 0.00009; 1000 Genomes Project 30x 0.00031; TOPMed 0.00015; 1000 Genomes Project 0.00020; ExAC 0.00028.
gnomAD v4.1: 216 of 1,613,998 alleles (0.013%); highest among the groups gnomAD compares: East Asian, 0.46%; 1 homozygote.

Submissions (2):

Labcorp Genetics (formerly Invitae), Labcorp
Classification: Likely benign. Last evaluated: 2026-02-01. Review status: criteria provided, single submitter. Criteria: Invitae Variant Classification Sherloc (09022015). Collection method: clinical testing. Allele origin: germline.

PreventionGenetics, part of Exact Sciences
Classification: Likely benign for FAT1-related condition. Last evaluated: 2021-10-06. Review status: no assertion criteria provided. Collection method: clinical testing. Allele origin: germline. Not counted in ClinVar's aggregate classification.
Comment: This variant is classified as likely benign based on ACMG/AMP sequence variant interpretation guidelines (Richards et al. 2015 PMID: 25741868, with internal and published modifications).

NM_005245.4(FAT1):c.3423G>C (p.Glu1141Asp)

Gene: FAT1 (FAT atypical cadherin 1; minus strand). Cytogenetic location: 4q35.2.
Variant type: single nucleotide variant.
Coding change: c.3423G>C on transcript NM_005245.4 (MANE Select); coding-DNA position 3423, G replaced by C.
Protein change: p.Glu1141Asp; replaces glutamic acid 1141 with aspartic acid.
Molecular consequence: missense variant.
Genome position (GRCh38, 1-based): chr4:186,663,456, C>G on the plus strand (G>C on the coding strand, the complement: FAT1 is on the minus strand). VCF-style: chr4-186663456-C-G. GRCh37 (hg19) VCF-style: chr4-187584610-C-G.
Other names: c.3423G>C (NM_005245.3); short protein forms E1141D.
Identifiers: ClinVar variation 2913326 (VCV002913326.5), dbSNP rs188190037, ClinGen allele CA3167019.